The following is an entry in ClinVar:

ClinVar aggregate classification (germline): Likely benign (1 of 4 stars; one submission).

Allele frequency attached by ClinVar (database versions not stated): gnomAD 0.00013; TOPMed 0.00013; ESP Exome Variant Server 0.00025.
gnomAD v4.1: 336 of 1,588,690 alleles (0.021%); highest among the groups gnomAD compares: Middle Eastern, 0.033%; no homozygotes.

Submission:

CeGaT Center for Human Genetics Tuebingen
Classification: Likely benign. Last evaluated: 2023-12-01. Review status: criteria provided, single submitter. Criteria: CeGaT Center For Human Genetics Tuebingen Variant Classification Criteria Version 2. Collection method: clinical testing. Allele origin: germline. Affected: yes. Observed: 2 variant alleles.
Comment: TET3: BP4, BP7

NM_001287491.2(TET3):c.3084C>T (p.Val1028=)

Gene: TET3 (tet methylcytosine dioxygenase 3; plus strand). Cytogenetic location: 2p13.1.
Variant type: single nucleotide variant.
Coding change: c.3084C>T on transcript NM_001287491.2 (MANE Select); coding-DNA position 3084, C replaced by T.
Protein change: p.Val1028=; no amino-acid change (valine 1028 retained).
Molecular consequence: synonymous variant.
Genome position (GRCh38, 1-based): chr2:74,092,946, C>T. VCF-style: chr2-74092946-C-T. GRCh37 (hg19) VCF-style: chr2-74320073-C-T.
Other names: c.2805C>T, p.Val935= (NM_001366022.1); c.2679C>T, p.Val893= (NM_144993.1).
Identifiers: ClinVar variation 2651044 (VCV002651044.24), dbSNP rs373633219, ClinGen allele CA1718924.